The following is an entry in ClinVar:

NM_000518.5(HBB):c.389_401del (p.Ala130fs)

Genes: HBB (hemoglobin subunit beta; minus strand), LOC107133510 (origin of replication at HBB; plus strand), LOC110006319 (beta-globin gene 3' regulatory region; plus strand). Cytogenetic location: 11p15.4.
Variant type: Deletion.
Coding change: c.389_401del on transcript NM_000518.5 (MANE Select); coding-DNA positions 389 to 401, 13 bases deleted (CCTATCAGAAAGT).
Protein change: p.Ala130fs; shifts the reading frame from alanine 130.
Molecular consequence: frameshift variant.
Genome position (GRCh38, 1-based): chr11:5,225,641-5,225,653, ACTTTCTGATAGG deleted on the plus strand (CCTATCAGAAAGT on the coding strand, the reverse complement: HBB is on the minus strand). VCF-style (leftmost placement, unchanged base first): chr11-5225640-CACTTTCTGATAGG-C. GRCh37 (hg19) VCF-style: chr11-5246870-CACTTTCTGATAGG-C.
Other names: short protein forms A130fs.
Identifiers: ClinVar variation 1705956 (VCV001705956.4), dbSNP rs2494292050, ClinGen allele CA2580083906.

ClinVar aggregate classification (germline): Likely pathogenic (1 of 4 stars; one submission).

Submission:

Mayo Clinic Laboratories, Mayo Clinic
Classification: Likely pathogenic. Last evaluated: 2021-07-13. Review status: criteria provided, single submitter. Criteria: ACMG Guidelines, 2015. Collection method: clinical testing. Allele origin: germline.
Comment: PVS1_Strong, PM2